The following is an entry in ClinVar:

ClinVar aggregate classification (germline): Likely pathogenic (1 of 4 stars; one submission).

Conditions:
ERCC6L2-related disorder. Also called: ERCC6L2-related condition.

Submission:

PreventionGenetics, part of Exact Sciences
Classification: Likely pathogenic for ERCC6L2-related condition. Last evaluated: 2023-03-23. Review status: criteria provided, single submitter. Criteria: ACMG Guidelines, 2015. Collection method: clinical testing. Allele origin: germline.
Comment: The ERCC6L2 c.3430_3461del32 variant is predicted to result in premature protein termination (p.Ala1144*). To our knowledge, this variant has not been reported in the literature or in a large population database, indicating this variant is rare. Nonsense variants in ERCC6L2 are expected to be pathogenic. This variant is interpreted as likely pathogenic.

NM_020207.7(ERCC6L2):c.3397_3428del (p.Lys1132_Ala1133insTer)

Gene: ERCC6L2 (ERCC excision repair 6 like 2; plus strand). Cytogenetic location: 9q22.32.
Variant type: Deletion.
Coding change: c.3397_3428del on transcript NM_020207.7 (MANE Select); coding-DNA positions 3397 to 3428, 32 bases deleted.
Protein change: p.Lys1132_Ala1133insTer.
Molecular consequence: nonsense. On other transcripts: non-coding transcript variant (1).
Genome position (GRCh38, 1-based): chr9:95,978,120-95,978,151, 32 bases deleted; deleting any 32 consecutive bases within chr9:95,978,119-95,978,151 gives the same sequence; the c. name uses the placement nearest the transcript's 3' end. GRCh37 (hg19): chr9:98,740,402-98,740,433.
Other names: c.3397_3428del, p.Lys1132_Ala1133insTer (NM_001375291.1, NM_001375292.1, NM_001375293.1 and 1 more transcripts).
Identifiers: ClinVar variation 2633689 (VCV002633689.1), dbSNP rs2490598994, ClinGen allele CA2695201603.